The following is an entry in ClinVar:

ClinVar aggregate classification (germline): Uncertain significance (1 of 4 stars; one submission).

Allele frequency attached by ClinVar (database versions not stated): ExAC 0.00001; TOPMed 0.00002; gnomAD 0.00003; gnomAD exomes 0.00004.
gnomAD v4.1: 69 of 1,613,992 alleles (0.0043%); highest among the groups gnomAD compares: Non-Finnish European, 0.0052%; no homozygotes.

Submission:

Labcorp Genetics (formerly Invitae), Labcorp
Classification: Uncertain significance. Last evaluated: 2024-05-09. Review status: criteria provided, single submitter. Criteria: Invitae Variant Classification Sherloc (09022015). Collection method: clinical testing. Allele origin: germline.
Comment: This sequence change replaces arginine, which is basic and polar, with cysteine, which is neutral and slightly polar, at codon 689 of the TJP2 protein (p.Arg689Cys). This variant is present in population databases (rs779161706, gnomAD 0.007%). This variant has not been reported in the literature in individuals affected with TJP2-related conditions. ClinVar contains an entry for this variant (Variation ID: 2069041). Advanced modeling of protein sequence and biophysical properties (such as structural, functional, and spatial information, amino acid conservation, physicochemical variation, residue mobility, and thermodynamic stability) has been performed at Invitae for this missense variant, however the output from this modeling did not meet the statistical confidence thresholds required to predict the impact of this variant on TJP2 protein function. In summary, the available evidence is currently insufficient to determine the role of this variant in disease. Therefore, it has been classified as a Variant of Uncertain Significance.

NM_004817.4(TJP2):c.2065C>T (p.Arg689Cys)

Gene: TJP2 (tight junction protein 2; plus strand). Cytogenetic location: 9q21.11.
Variant type: single nucleotide variant.
Coding change: c.2065C>T on transcript NM_004817.4 (MANE Select); coding-DNA position 2065, C replaced by T.
Protein change: p.Arg689Cys; replaces arginine 689 with cysteine.
Molecular consequence: missense variant.
Genome position (GRCh38, 1-based): chr9:69,237,022, C>T. VCF-style: chr9-69237022-C-T. GRCh37 (hg19) VCF-style: chr9-71851938-C-T.
Other names: c.1996C>T, p.Arg666Cys (NM_001170414.2, NM_001369871.1); c.2077C>T, p.Arg693Cys (NM_001170415.1, NM_001369874.1, NM_001369875.1); c.2158C>T, p.Arg720Cys (NM_001170416.2); c.1990C>T, p.Arg664Cys (NM_001369870.1); c.2065C>T, p.Arg689Cys (NM_001369872.1, NM_001369873.1, NM_201629.3); short protein forms R664C, R693C, R666C, R689C, R720C.
Identifiers: ClinVar variation 2069041 (VCV002069041.4), dbSNP rs779161706, ClinGen allele CA5073571.
Genomic context (GRCh38, chr9:69,237,022, plus strand): 5'-GCCAGTGTTCAAAATGCCCAGAGAGACAACGCTGGGGACCGGGCAGATTTCTGGAGAATG[C>T]GTGGCCAGAGGTCTGGGGTGAAGAAGAACCTGAGGAAAAGTCGGGAAGACCTCACAGCTG-3'
Protein context (NP_004808.2, residues 679-699): AGDRADFWRM[Arg689Cys]GQRSGVKKNL